The following is an entry in ClinVar:

NM_000256.3(MYBPC3):c.766G>A (p.Val256Ile)

Gene: MYBPC3 (myosin binding protein C3; minus strand). Cytogenetic location: 11p11.2.
Variant type: single nucleotide variant.
Coding change: c.766G>A on transcript NM_000256.3 (MANE Select); coding-DNA position 766, G replaced by A.
Protein change: p.Val256Ile; replaces valine 256 with isoleucine.
Molecular consequence: missense variant.
Genome position (GRCh38, 1-based): chr11:47,348,430, C>T on the plus strand (G>A on the coding strand, the complement: MYBPC3 is on the minus strand). VCF-style: chr11-47348430-C-T. GRCh37 (hg19) VCF-style: chr11-47369981-C-T.
Other names: short protein forms V256I.
Identifiers: ClinVar variation 3230892 (VCV003230892.2), dbSNP rs1444087775, ClinGen allele CA380334225.

ClinVar aggregate classification (germline): Uncertain significance. Review status: criteria provided, multiple submitters, no conflicts (2 of 4 stars). 2 submissions from 2 submitters: Uncertain significance (2). Last evaluated 2025-08-22.

Conditions:
Cardiovascular phenotype. Identifiers: MedGen CN230736.
Hypertrophic cardiomyopathy. Also called: HYPERTROPHIC MYOCARDIOPATHY. Identifiers: Orphanet 217569, MedGen C0007194, MeSH D002312, MONDO:0005045, HP:0001639.

Submissions (2):

Labcorp Genetics (formerly Invitae), Labcorp
Classification: Uncertain significance for Hypertrophic cardiomyopathy. Last evaluated: 2025-08-22. Review status: criteria provided, single submitter. Criteria: Invitae Variant Classification Sherloc (09022015). Collection method: clinical testing. Allele origin: germline.
Comment: This sequence change replaces valine, which is neutral and non-polar, with isoleucine, which is neutral and non-polar, at codon 256 of the MYBPC3 protein (p.Val256Ile). This variant is not present in population databases (gnomAD no frequency). This missense change has been observed in individual(s) with hypertrophic cardiomyopathy (PMID: 15519027). ClinVar contains an entry for this variant (Variation ID: 3230892). An algorithm developed to predict the effect of missense changes on protein structure and function (PolyPhen-2) suggests that this variant is likely to be disruptive. In summary, the available evidence is currently insufficient to determine the role of this variant in disease. Therefore, it has been classified as a Variant of Uncertain Significance.

Ambry Genetics
Classification: Uncertain significance for Cardiovascular phenotype. Last evaluated: 2023-12-02. Review status: criteria provided, single submitter. Criteria: Ambry Variant Classification Scheme 2023. Collection method: clinical testing. Allele origin: germline.
Comment: The p.V256I variant (also known as c.766G>A), located in coding exon 6 of the MYBPC3 gene, results from a G to A substitution at nucleotide position 766. The valine at codon 256 is replaced by isoleucine, an amino acid with highly similar properties. This alteration has been reported in a hypertrophic cardiomyopathy (HCM) cohort; however, clinical details were limited and an additional alteration in TNNT2 was also identified (Van Driest SL et al. J Am Coll Cardiol, 2004 Nov;44:1903-10; Bos JM et al. Mayo Clin Proc, 2014 Jun;89:727-37). This amino acid position is highly conserved in available vertebrate species. In addition, the in silico prediction for this alteration is inconclusive. Since supporting evidence is limited at this time, the clinical significance of this alteration remains unclear.

Literature cited by the submitters: PubMed 15519027 (cited by Labcorp Genetics (formerly Invitae), Labcorp and Ambry Genetics); PubMed 24793961 (cited by Ambry Genetics).